The following is an entry in ClinVar:

NM_013308.4(GPR171):c.520A>G (p.Arg174Gly)

Genes: GPR171 (G protein-coupled receptor 171; minus strand), MED12L (mediator complex subunit 12L; plus strand). Cytogenetic location: 3q25.1.
Variant type: single nucleotide variant.
Coding change: c.520A>G on transcript NM_013308.4 (MANE Select); coding-DNA position 520, A replaced by G.
Protein change: p.Arg174Gly; replaces arginine 174 with glycine.
Molecular consequence: missense variant. On other transcripts: intron variant (2).
Genome position (GRCh38, 1-based): chr3:151,198,867, T>C on the plus strand (A>G on the coding strand, the complement: GPR171 is on the minus strand). VCF-style: chr3-151198867-T-C. GRCh37 (hg19) VCF-style: chr3-150916654-T-C.
Other names: c.2250+5201T>C (NM_001393769.1); c.2145+5201T>C (NM_053002.6); short protein forms R174G.
Identifiers: ClinVar variation 2654230 (VCV002654230.24), dbSNP rs2531211104, ClinGen allele CA354963437.

ClinVar aggregate classification (germline): Uncertain significance (1 of 4 stars; one submission).

Allele frequency attached by ClinVar (database versions not stated): gnomAD exomes below 0.00001.
gnomAD v4.1: 3 of 1,614,140 alleles (0.00019%); highest among the groups gnomAD compares: Non-Finnish European, 0.00017%; no homozygotes.

Submission:

CeGaT Center for Human Genetics Tuebingen
Classification: Uncertain significance. Last evaluated: 2022-12-01. Review status: criteria provided, single submitter. Criteria: CeGaT Center For Human Genetics Tuebingen Variant Classification Criteria Version 2. Collection method: clinical testing. Allele origin: germline. Affected: yes. Observed: 1 variant allele.
Comment: GPR171: PM2, BP4